The following is an entry in ClinVar:

NC_000005.9:g.(?_178770748)_(178772349_?)dup

Gene: ADAMTS2 (ADAM metallopeptidase with thrombospondin type 1 motif 2; minus strand). Cytogenetic location: 5q35.3.
Variant type: Duplication.
Identifiers: ClinVar variation 537408 (VCV000537408.1).

ClinVar aggregate classification (germline): Uncertain significance (1 of 4 stars; one submission).

Conditions:
Ehlers-Danlos syndrome, dermatosparaxis type. Also called: EDS VIIC; Dermatosparaxis; Ehlers-Danlos syndrome, type VII, autosomal recessive. Identifiers: Orphanet 1901, MedGen C2700425, MONDO:0009161, OMIM 225410.

Submission:

Labcorp Genetics (formerly Invitae), Labcorp
Classification: Uncertain significance for Ehlers-Danlos syndrome, dermatosparaxis type. Last evaluated: 2017-09-28. Review status: criteria provided, single submitter. Criteria: Invitae Variant Classification Sherloc (09022015). Collection method: clinical testing. Allele origin: germline.
Comment: This variant is a gross duplication of the genomic region encompassing exons 1-2 of the ADAMTS2 gene. The 5' end of this event is unknown as it extends beyond the assayed region for this gene and therefore may encompass additional genes. The 3' boundary is likely confined to intron 2 of the ADAMTS2 gene. The exact location of this variant in the genome is unknown. This variant has not been reported in the literature in individuals with ADAMTS2-related disease. In summary, the available evidence is currently insufficient to determine the role of this variant in disease. Therefore, it has been classified as a Variant of Uncertain Significance.